The following is an entry in ClinVar:

ClinVar aggregate classification (germline): Uncertain significance (1 of 4 stars; one submission).

Conditions:
Distal myopathy with posterior leg and anterior hand involvement. Also called: WILLIAMS DISTAL MYOPATHY. Identifiers: Orphanet 63273, MedGen C3279722, MONDO:0013550, OMIM 614065.
Hypertrophic cardiomyopathy 26. Also called: Cardiomyopathy, familial hypertrophic, 26. Identifiers: Orphanet 75249, MedGen C4310749, MONDO:0014883, OMIM 617047.
Myofibrillar myopathy 5. Also called: Filaminopathy (type); FILAMINOPATHY, AUTOSOMAL DOMINANT. Identifiers: Orphanet 171445, MedGen C1836050, MONDO:0012289, OMIM 609524.

Submission:

Labcorp Genetics (formerly Invitae), Labcorp
Classification: Uncertain significance for Distal myopathy with posterior leg and anterior hand involvement; Myofibrillar myopathy 5; Hypertrophic cardiomyopathy 26. Last evaluated: 2024-03-05. Review status: criteria provided, single submitter. Criteria: Invitae Variant Classification Sherloc (09022015). Collection method: clinical testing. Allele origin: germline.
Comment: This sequence change replaces proline, which is neutral and non-polar, with histidine, which is basic and polar, at codon 750 of the FLNC protein (p.Pro750His). This variant is not present in population databases (gnomAD no frequency). This variant has not been reported in the literature in individuals affected with FLNC-related conditions. Advanced modeling of protein sequence and biophysical properties (such as structural, functional, and spatial information, amino acid conservation, physicochemical variation, residue mobility, and thermodynamic stability) has been performed at Invitae for this missense variant, however the output from this modeling did not meet the statistical confidence thresholds required to predict the impact of this variant on FLNC protein function. In summary, the available evidence is currently insufficient to determine the role of this variant in disease. Therefore, it has been classified as a Variant of Uncertain Significance.

NM_001458.5(FLNC):c.2249C>A (p.Pro750His)

Gene: FLNC (filamin C; plus strand). Cytogenetic location: 7q32.1.
Variant type: single nucleotide variant.
Coding change: c.2249C>A on transcript NM_001458.5 (MANE Select); coding-DNA position 2249, C replaced by A.
Protein change: p.Pro750His; replaces proline 750 with histidine.
Molecular consequence: missense variant.
Genome position (GRCh38, 1-based): chr7:128,842,358, C>A. VCF-style: chr7-128842358-C-A. GRCh37 (hg19) VCF-style: chr7-128482412-C-A.
Other names: c.2249C>A, p.Pro750His (NM_001127487.2); short protein forms P750H.
Identifiers: ClinVar variation 3755121 (VCV003755121.2).